The following is an entry in ClinVar:

NM_001198533.2(OXR1):c.439G>A (p.Val147Ile)

Gene: OXR1 (oxidation resistance 1; plus strand). Cytogenetic location: 8q23.1.
Variant type: single nucleotide variant.
Coding change: c.439G>A on transcript NM_001198533.2 (MANE Select); coding-DNA position 439, G replaced by A.
Protein change: p.Val147Ile; replaces valine 147 with isoleucine.
Molecular consequence: missense variant.
Genome position (GRCh38, 1-based): chr8:106,684,273, G>A. VCF-style: chr8-106684273-G-A. GRCh37 (hg19) VCF-style: chr8-107696501-G-A.
Other names: c.442G>A, p.Val148Ile (NM_001198532.1); c.439G>A, p.Val147Ile (NM_018002.3); c.418G>A, p.Val140Ile (NM_181354.4); short protein forms V140I, V147I, V148I.
Identifiers: ClinVar variation 4821743 (VCV004821743.5).

ClinVar aggregate classification (germline): Uncertain significance. Review status: criteria provided, multiple submitters, no conflicts (2 of 4 stars). 2 submissions from 2 submitters: Uncertain significance (2). Last evaluated 2026-07-18.

Conditions:
OXR1-related disorder. Also called: OXR1-related condition.

gnomAD v4.1: 14 of 1,600,006 alleles (0.00087%); highest among the groups gnomAD compares: Middle Eastern, 0.05%; no homozygotes.

Submissions (2):

PreventionGenetics, part of Exact Sciences
Classification: Uncertain significance for OXR1-related condition. Last evaluated: 2026-07-18. Review status: criteria provided, single submitter. Criteria: ACMG Guidelines, 2015. Collection method: clinical testing. Allele origin: germline.
Comment: The OXR1 c.442G>A variant is predicted to result in the amino acid substitution p.Val148Ile. To our knowledge, this variant has not been reported in the literature. This variant is reported in 0.0054% of alleles in individuals of East Asian descent in gnomAD. At this time, the clinical significance of this variant is uncertain due to the absence of conclusive functional and genetic evidence.

CeGaT Center for Human Genetics Tuebingen
Classification: Uncertain significance. Last evaluated: 2026-03-01. Review status: criteria provided, single submitter. Criteria: CeGaT Center For Human Genetics Tuebingen Variant Classification Criteria Version 2. Collection method: clinical testing. Allele origin: germline. Affected: yes. Observed: 1 variant allele.
Comment: OXR1: PM2, BP4